The following is an entry in ClinVar:

NM_014714.4(IFT140):c.481C>A (p.Pro161Thr)

Genes: IFT140 (intraflagellar transport 140; minus strand), LOC105371046 (uncharacterized LOC105371046; plus strand). Cytogenetic location: 16p13.3.
Variant type: single nucleotide variant.
Coding change: c.481C>A on transcript NM_014714.4 (MANE Select); coding-DNA position 481, C replaced by A.
Protein change: p.Pro161Thr; replaces proline 161 with threonine.
Molecular consequence: missense variant.
Genome position (GRCh38, 1-based): chr16:1,592,477, G>T on the plus strand (C>A on the coding strand, the complement: IFT140 is on the minus strand). VCF-style: chr16-1592477-G-T. GRCh37 (hg19) VCF-style: chr16-1642478-G-T.
Other names: c.481C>A (NM_014714.3); short protein forms P161T.
Identifiers: ClinVar variation 1520221 (VCV001520221.14), dbSNP rs148462329, ClinGen allele CA7814694.
Genomic context (GRCh38, chr16:1,592,477, plus strand): 5'-TCCCCCGATGTAAACACACACACAGGTCACAGGGCAAGCCCCACACTTACTCGCCAGGAG[G>T]GGGGAGCCGGAAGATGCAGTGCGTGAGGTGTTTCCCATACTCGTGTTTCAGCAGAGGCGT-3'
Protein context (NP_055529.2, residues 151-171): HLTHCIFRLP[Pro161Thr]PGEDLVQLAK

ClinVar aggregate classification (germline): Conflicting classifications of pathogenicity. Review status: criteria provided, conflicting classifications (1 of 4 stars). 6 submissions from 6 submitters: Uncertain significance (3); Likely benign (1). 2 of the submissions do not count toward it. Last evaluated 2025-12-22.

Conditions:
Retinitis pigmentosa 80 (RP80). Identifiers: MedGen C4540439, MONDO:0054708, OMIM 617781.
Saldino-Mainzer syndrome (SRTD9). Also called: CONORENAL SYNDROME; Renal dysplasia, retinal pigmentary dystrophy, cerebellar ataxia and skeletal dysplasia; short-rib thoracic dysplasia 9 with or without polydactyly; SHORT-RIB THORACIC DYSPLASIA 9 WITHOUT POLYDACTYLY. Identifiers: Orphanet 140969, MedGen C1849437, MONDO:0009964, OMIM 266920.
Retinal dystrophy. Also called: Inherited retinal dystrophy. Identifiers: Orphanet 71862, MedGen C0854723, MeSH D058499, MONDO:0019118, HP:0000556.
IFT140-related disorder. Also called: IFT140-related condition.

Allele frequency attached by ClinVar (database versions not stated): 1000 Genomes Project 30x 0.00031; 1000 Genomes Project 0.00040.
gnomAD v4.1: 108 of 1,614,180 alleles (0.0067%); highest among the groups gnomAD compares: East Asian, 0.018%; no homozygotes.

Submissions (6):

Labcorp Genetics (formerly Invitae), Labcorp
Classification: Likely benign for Saldino-Mainzer syndrome. Last evaluated: 2025-12-22. Review status: criteria provided, single submitter. Criteria: Invitae Variant Classification Sherloc (09022015). Collection method: clinical testing. Allele origin: germline.

Fulgent Genetics
Classification: Uncertain significance for Saldino-Mainzer syndrome; Retinitis pigmentosa 80. Last evaluated: 2024-06-17. Review status: criteria provided, single submitter. Criteria: ACMG Guidelines, 2015. Collection method: clinical testing. Allele origin: germline.

Blueprint Genetics
Classification: Uncertain significance. Last evaluated: 2024-05-02. Review status: criteria provided, single submitter. Criteria: ACMG Guidelines, 2015. Collection method: clinical testing. Allele origin: germline.

Breakthrough Genomics
Classification: Uncertain significance. Review status: criteria provided, single submitter. Criteria: ACMG Guidelines, 2015. Collection method: not provided. Allele origin: germline. Inheritance: Autosomal recessive inheritance. Affected: yes.

PreventionGenetics, part of Exact Sciences
Classification: Uncertain significance for IFT140-related condition. Last evaluated: 2024-09-16. Review status: no assertion criteria provided. Collection method: clinical testing. Allele origin: germline. Not counted in ClinVar's aggregate classification.
Comment: The IFT140 c.481C>A variant is predicted to result in the amino acid substitution p.Pro161Thr. To our knowledge, this variant has not been reported in the literature. This variant is reported in 0.025% of alleles in individuals of East Asian descent in gnomAD. At this time, the clinical significance of this variant is uncertain due to the absence of conclusive functional and genetic evidence.

Institute of Human Genetics, Univ. Regensburg, Univ. Regensburg
Classification: Uncertain significance for Retinal dystrophy. Last evaluated: 2022-01-01. Review status: no assertion criteria provided. Criteria: ACMG Guidelines, 2015. Collection method: clinical testing. Allele origin: germline. Affected: yes. Not counted in ClinVar's aggregate classification.